The following is an entry in ClinVar:

GRCh38/hg38 Xq24(chrX:120866580-120990165)x10

Genes: CT47A1 (cancer/testis antigen family 47 member A1; minus strand), CT47A10 (cancer/testis antigen family 47 member A10; minus strand), CT47A11 (cancer/testis antigen family 47 member A11; minus strand), CT47A12 (cancer/testis antigen family 47 member A12; minus strand), CT47A2 (cancer/testis antigen family 47 member A2; minus strand) and 8 more. Cytogenetic location: Xq24.
Variant type: copy number gain.
Change: copy number 10 of chrX:120,866,580-120,990,165 (123.6 kb, GRCh38 coordinates, 1-based), cytogenetic band Xq24.
Other names: ogm[GRCh38] Xq24(120,866,580_120,990,165)x10, and Xq26.3(135,238,491_135,743,639)x3 in a single patient.
Identifiers: ClinVar variation 4526306 (VCV004526306.1).

ClinVar aggregate classification (germline): Uncertain significance (1 of 4 stars; one submission).

Conditions:
Male infertility. Identifiers: MedGen C0021364, MeSH D007248, MONDO:0005372, HP:0003251.

Submission:

Optical Genome Mapping Laboratory, Clinical Institute of Genomic Medicine, University Medical Center Ljubljana
Classification: Uncertain significance for Male infertility. Last evaluated: 2025-09-19. Review status: criteria provided, single submitter. Criteria: ACMG/ClinGen CNV Guidelines, 2019. Collection method: research. Allele origin: unknown. Affected: yes.
Comment: Xq24 co-occuring with another variant Xq26.3